The following is an entry in ClinVar:

NM_198693.4(KRTAP10-2):c.693G>C (p.Val231=)

Genes: KRTAP10-2 (keratin associated protein 10-2; minus strand), TSPEAR (thrombospondin type laminin G domain and EAR repeats; minus strand). Cytogenetic location: 21q22.3.
Variant type: single nucleotide variant.
Coding change: c.693G>C on transcript NM_198693.4 (MANE Select); coding-DNA position 693, G replaced by C.
Protein change: p.Val231=; no amino-acid change (valine 231 retained).
Molecular consequence: synonymous variant. On other transcripts: intron variant (2).
Genome position (GRCh38, 1-based): chr21:44,550,766, C>G on the plus strand (G>C on the coding strand, the complement: KRTAP10-2 is on the minus strand). VCF-style: chr21-44550766-C-G. GRCh37 (hg19) VCF-style: chr21-45970649-C-G.
Other names: c.304-16843G>C (NM_144991.3); c.100-16843G>C (NM_001272037.2).
Identifiers: ClinVar variation 1695030 (VCV001695030.31), dbSNP rs139318454, ClinGen allele CA10057492.

ClinVar aggregate classification (germline): Likely benign (1 of 4 stars; one submission).

Allele frequency attached by ClinVar (database versions not stated): ExAC 0.00060; gnomAD exomes 0.00060 and 0.00064; ESP Exome Variant Server 0.00062; gnomAD 0.00065 and 0.00066; 1000 Genomes Project 0.00080; TOPMed 0.00087; 1000 Genomes Project 30x 0.00094.
gnomAD v4.1: 1,033 of 1,614,188 alleles (0.064%); highest among the groups gnomAD compares: Middle Eastern, 2.1%; 6 homozygotes.

Submission:

CeGaT Center for Human Genetics Tuebingen
Classification: Likely benign. Last evaluated: 2022-05-01. Review status: criteria provided, single submitter. Criteria: CeGaT Center For Human Genetics Tuebingen Variant Classification Criteria Version 2. Collection method: clinical testing. Allele origin: germline. Affected: yes. Observed: 1 variant allele.
Comment: KRTAP10-2: BP4, BP7